The following is an entry in ClinVar:

NM_021830.5(TWNK):c.1124A>T (p.Glu375Val)

Gene: TWNK (twinkle mtDNA helicase; plus strand). Cytogenetic location: 10q24.31.
Variant type: single nucleotide variant.
Coding change: c.1124A>T on transcript NM_021830.5 (MANE Select); coding-DNA position 1124, A replaced by T.
Protein change: p.Glu375Val; replaces glutamic acid 375 with valine.
Molecular consequence: missense variant. On other transcripts: non-coding transcript variant (4), intron variant (3).
Genome position (GRCh38, 1-based): chr10:100,989,334, A>T. VCF-style: chr10-100989334-A-T. GRCh37 (hg19) VCF-style: chr10-102749091-A-T.
Other names: c.1124A>T, p.Glu375Val (NM_001163812.2); c.-119-310A>T (NM_001163814.2, NM_001163813.2); c.-57-372A>T (NM_001368275.1); short protein forms E375V.
Identifiers: ClinVar variation 3781324 (VCV003781324.1).

ClinVar aggregate classification (germline): Uncertain significance (1 of 4 stars; one submission).

Conditions:
Progressive external ophthalmoplegia with mitochondrial DNA deletions, autosomal dominant 3. Also called: PROGRESSIVE EXTERNAL OPHTHALMOPLEGIA, AUTOSOMAL DOMINANT 3. Identifiers: MedGen C1836439, MONDO:0012241, OMIM 609286.

Submission:

Clinical Omics and Informatics (COIN) Unit, Neuroscience Institute, University Of Cape Town
Classification: Uncertain significance for Progressive external ophthalmoplegia with mitochondrial DNA deletions, autosomal dominant 3. Last evaluated: 2025-03-24. Review status: criteria provided, single submitter. Criteria: ACMG Guidelines, 2015. Collection method: research. Allele origin: germline. Inheritance: Autosomal dominant inheritance. Affected: yes. Observed: 2 variant alleles, 2 heterozygotes.
Comment: This variant is absent from gnomAD v4 and the African Genome Variation Database (AGVD). PP3_Met: Revel score is 0.725. PP2 Not Met: Missense Z score is 2.59. PM1 Met: This variant is located within exon 1 of the TWNK gene, a critical region for TWNK protein function (entire primary enzyme and connector domains as well as a partial helix enzyme domain are located in exon 1). Several pathogenic missense mutations in exon 1 have been linked to PEOA3 (PMID:33396418;21689831;20479361).

Literature cited by the submitters: PubMed 33396418; PubMed 21689831; PubMed 20479361.